The following is an entry in ClinVar:

ClinVar aggregate classification (germline): Uncertain significance (1 of 4 stars; one submission).

Submission:

Labcorp Genetics (formerly Invitae), Labcorp
Classification: Uncertain significance. Last evaluated: 2024-08-29. Review status: criteria provided, single submitter. Criteria: Invitae Variant Classification Sherloc (09022015). Collection method: clinical testing. Allele origin: germline.
Comment: This sequence change creates a premature translational stop signal (p.Tyr855*) in the ACACA gene. It is expected to result in an absent or disrupted protein product. However, the current clinical and genetic evidence is not sufficient to establish whether loss-of-function variants in ACACA cause disease. This variant is not present in population databases (gnomAD no frequency). This variant has not been reported in the literature in individuals affected with ACACA-related conditions. In summary, the available evidence is currently insufficient to determine the role of this variant in disease. Therefore, it has been classified as a Variant of Uncertain Significance.

NM_198834.3(ACACA):c.2676T>G (p.Tyr892Ter)

Gene: ACACA (acetyl-CoA carboxylase alpha; minus strand). Cytogenetic location: 17q12.
Variant type: single nucleotide variant.
Coding change: c.2676T>G on transcript NM_198834.3 (MANE Select); coding-DNA position 2676, T replaced by G.
Protein change: p.Tyr892Ter; replaces tyrosine 892 with a stop codon.
Molecular consequence: nonsense.
Genome position (GRCh38, 1-based): chr17:37,244,654, A>C on the plus strand (T>G on the coding strand, the complement: ACACA is on the minus strand). VCF-style: chr17-37244654-A-C. GRCh37 (hg19) VCF-style: chr17-35601570-A-C.
Other names: c.2565T>G, p.Tyr855Ter (NM_198836.3, NM_198839.3); c.2391T>G, p.Tyr797Ter (NM_198837.2); c.2331T>G, p.Tyr777Ter (NM_198838.2); short protein forms Y855*, Y892*, Y777*, Y797*.
Identifiers: ClinVar variation 3649481 (VCV003649481.2).